The following is an entry in ClinVar:

NM_001382430.1(AKT1):c.118G>C (p.Glu40Gln)

Gene: AKT1 (AKT serine/threonine kinase 1; minus strand). Cytogenetic location: 14q32.33.
Variant type: single nucleotide variant.
Coding change: c.118G>C on transcript NM_001382430.1 (MANE Select); coding-DNA position 118, G replaced by C.
Protein change: p.Glu40Gln; replaces glutamic acid 40 with glutamine.
Molecular consequence: missense variant.
Genome position (GRCh38, 1-based): chr14:104,780,145, C>G on the plus strand (G>C on the coding strand, the complement: AKT1 is on the minus strand). VCF-style: chr14-104780145-C-G. GRCh37 (hg19) VCF-style: chr14-105246482-C-G.
Other names: c.118G>C, p.Glu40Gln (NM_001014431.2, NM_001014432.2, NM_001382431.1 and 3 more transcripts); short protein forms E40Q.
Identifiers: ClinVar variation 4267594 (VCV004267594.1).

ClinVar aggregate classification (germline): Uncertain significance (1 of 4 stars; one submission).

Conditions:
Inborn genetic diseases. Identifiers: MedGen C0950123, MeSH D030342.

Submission:

Ambry Genetics
Classification: Uncertain significance for Inborn genetic diseases. Last evaluated: 2025-08-01. Review status: criteria provided, single submitter. Criteria: Ambry Variant Classification Scheme 2023. Collection method: clinical testing. Allele origin: germline.
Comment: The p.E40Q variant (also known as c.118G>C), located in coding exon 2 of the AKT1 gene, results from a G to C substitution at nucleotide position 118. The glutamic acid at codon 40 is replaced by glutamine, an amino acid with highly similar properties. This amino acid position is conserved. In addition, this alteration is predicted to be tolerated by in silico analysis. Based on the available evidence, the clinical significance of this variant remains unclear.